The following is an entry in ClinVar:

ClinVar aggregate classification (germline): Uncertain significance (1 of 4 stars; one submission).

Submission:

Labcorp Genetics (formerly Invitae), Labcorp
Classification: Uncertain significance. Last evaluated: 2023-10-17. Review status: criteria provided, single submitter. Criteria: Invitae Variant Classification Sherloc (09022015). Collection method: clinical testing. Allele origin: unknown.
Comment: This variant is a gross deletion of the genomic region encompassing exon(s) 3 of the REST gene. This variant would be expected to be in-frame, preserving the integrity of the reading frame. This variant has not been reported in the literature in individuals affected with REST-related conditions. Experimental studies and prediction algorithms are not available or were not evaluated, and the functional significance of this variant is currently unknown. In summary, the available evidence is currently insufficient to determine the role of this variant in disease. Therefore, it has been classified as a Variant of Uncertain Significance.

NC_000004.11:g.(?_57785933)_(57793760_?)del

Gene: REST (RE1 silencing transcription factor; plus strand). Cytogenetic location: 4q12.
Variant type: Deletion.
Identifiers: ClinVar variation 3246738 (VCV003246738.1).